The following is an entry in ClinVar:

ClinVar aggregate classification (germline): Conflicting classifications of pathogenicity. Review status: criteria provided, conflicting classifications (1 of 4 stars). 2 submissions from 2 submitters: Uncertain significance (1); Likely benign (1). Last evaluated 2025-06-01.

Conditions:
Inborn genetic diseases. Identifiers: MedGen C0950123, MeSH D030342.

Submissions (2):

CeGaT Center for Human Genetics Tuebingen
Classification: Likely benign. Last evaluated: 2025-06-01. Review status: criteria provided, single submitter. Criteria: CeGaT Center For Human Genetics Tuebingen Variant Classification Criteria Version 2. Collection method: clinical testing. Allele origin: germline. Affected: yes. Observed: 1 variant allele.
Comment: SRRM2: BP4

Ambry Genetics
Classification: Uncertain significance for Inborn genetic diseases. Last evaluated: 2025-05-16. Review status: criteria provided, single submitter. Criteria: Ambry Variant Classification Scheme 2023. Collection method: clinical testing. Allele origin: germline.

NM_016333.4(SRRM2):c.1669G>C (p.Ala557Pro)

Gene: SRRM2 (serine/arginine repetitive matrix 2; plus strand). Cytogenetic location: 16p13.3.
Variant type: single nucleotide variant.
Coding change: c.1669G>C on transcript NM_016333.4 (MANE Select); coding-DNA position 1669, G replaced by C.
Protein change: p.Ala557Pro; replaces alanine 557 with proline.
Molecular consequence: missense variant.
Genome position (GRCh38, 1-based): chr16:2,762,197, G>C. VCF-style: chr16-2762197-G-C. GRCh37 (hg19) VCF-style: chr16-2812198-G-C.
Other names: c.1669G>C (NM_016333.3); short protein forms A557P.
Identifiers: ClinVar variation 3906005 (VCV003906005.10).